The following is an entry in ClinVar:

ClinVar aggregate classification (germline): Uncertain significance (1 of 4 stars; one submission).

gnomAD v4.1: 3 of 1,613,842 alleles (0.00019%); highest among the groups gnomAD compares: East Asian, 0.0022%; no homozygotes.

Submission:

Women's Health and Genetics/Laboratory Corporation of America, LabCorp
Classification: Uncertain significance. Last evaluated: 2024-09-04. Review status: criteria provided, single submitter. Criteria: LabCorp Variant Classification Summary - May 2015. Collection method: clinical testing. Allele origin: germline.
Comment: Variant summary: GJA1 c.47C>G (p.Ala16Gly) results in a non-conservative amino acid change located in the Connexin, N-terminal domain (IPR013092) of the encoded protein sequence. Five of five in-silico tools predict a damaging effect of the variant on protein function. The variant allele was found at a frequency of 4e-06 in 251402 control chromosomes. The available data on variant occurrences in the general population are insufficient to allow any conclusion about variant significance. To our knowledge, no occurrence of c.47C>G in individuals affected with Oculodentodigital Dysplasia and no experimental evidence demonstrating its impact on protein function have been reported. No submitters have cited clinical-significance assessments for this variant to ClinVar. Based on the evidence outlined above, the variant was classified as uncertain significance.

NM_000165.5(GJA1):c.47C>G (p.Ala16Gly)

Gene: GJA1 (gap junction protein alpha 1; plus strand). Cytogenetic location: 6q22.31.
Variant type: single nucleotide variant.
Coding change: c.47C>G on transcript NM_000165.5 (MANE Select); coding-DNA position 47, C replaced by G.
Protein change: p.Ala16Gly; replaces alanine 16 with glycine.
Molecular consequence: missense variant.
Genome position (GRCh38, 1-based): chr6:121,446,894, C>G. VCF-style: chr6-121446894-C-G. GRCh37 (hg19) VCF-style: chr6-121768040-C-G.
Other names: short protein forms A16G.
Identifiers: ClinVar variation 3375049 (VCV003375049.1).